The following is an entry in ClinVar:

NM_000553.6(WRN):c.1953C>T (p.Gly651=)

Gene: WRN (WRN RecQ like helicase; plus strand). Cytogenetic location: 8p12.
Variant type: single nucleotide variant.
Coding change: c.1953C>T on transcript NM_000553.6 (MANE Select); coding-DNA position 1953, C replaced by T.
Protein change: p.Gly651=; no amino-acid change (glycine 651 retained).
Molecular consequence: synonymous variant.
Genome position (GRCh38, 1-based): chr8:31,096,822, C>T. VCF-style: chr8-31096822-C-T. GRCh37 (hg19) VCF-style: chr8-30954338-C-T.
Identifiers: ClinVar variation 238132 (VCV000238132.17), dbSNP rs11574263, ClinGen allele CA4704571.

ClinVar aggregate classification (germline): Benign/Likely benign. Review status: criteria provided, multiple submitters, no conflicts (2 of 4 stars). 5 submissions from 5 submitters: Benign (4); Likely benign (1). Last evaluated 2026-02-04.

Conditions:
Werner syndrome (WRN). Identifiers: Orphanet 902, MedGen C0043119, MONDO:0010196, OMIM 277700.

Allele frequency attached by ClinVar (database versions not stated): gnomAD exomes 0.00059 and 0.00141; ExAC 0.00154; 1000 Genomes Project 0.00399; 1000 Genomes Project 30x 0.00406; gnomAD 0.00585 and 0.00627; ESP Exome Variant Server 0.00615; TOPMed 0.00678.
gnomAD v4.1: 1,784 of 1,612,936 alleles (0.11%); highest among the groups gnomAD compares: African/African-American, 2.1%; 18 homozygotes.

Submissions (5):

Labcorp Genetics (formerly Invitae), Labcorp
Classification: Benign for Werner syndrome. Last evaluated: 2026-02-04. Review status: criteria provided, single submitter. Criteria: Invitae Variant Classification Sherloc (09022015). Collection method: clinical testing. Allele origin: germline.

Genome-Nilou Lab
Classification: Benign for Werner syndrome. Last evaluated: 2021-12-05. Review status: criteria provided, single submitter. Criteria: ACMG Guidelines, 2015. Collection method: clinical testing. Allele origin: germline. Affected: no.

Fulgent Genetics
Classification: Benign for Werner syndrome. Last evaluated: 2021-08-10. Review status: criteria provided, single submitter. Criteria: ACMG Guidelines, 2015. Collection method: clinical testing. Allele origin: unknown.

GeneDx
Classification: Benign. Last evaluated: 2020-08-17. Review status: criteria provided, single submitter. Criteria: GeneDx Variant Classification Process June 2021. Collection method: clinical testing. Allele origin: germline. Affected: yes.

Illumina Laboratory Services, Illumina
Classification: Likely benign for Werner syndrome. Last evaluated: 2018-01-13. Review status: criteria provided, single submitter. Criteria: ICSL Variant Classification Criteria 13 December 2019. Collection method: clinical testing. Allele origin: germline.
Comment: This variant was observed in the ICSL laboratory as part of a predisposition screen in an ostensibly healthy population. It had not been previously curated by ICSL or reported in the Human Gene Mutation Database (HGMD: prior to June 1st, 2018), and was therefore a candidate for classification through an automated scoring system. Utilizing variant allele frequency, disease prevalence and penetrance estimates, and inheritance mode, an automated score was calculated to assess if this variant is too frequent to cause the disease. Based on the score and internal cut-off values, a variant classified as likely benign is not then subjected to further curation. The score for this variant resulted in a classification of likely benign for this disease.